The following is an entry in ClinVar:

NM_000268.4(NF2):c.465C>T (p.Pro155=)

Gene: NF2 (NF2, moesin-ezrin-radixin like (MERLIN) tumor suppressor; plus strand). Cytogenetic location: 22q12.2.
Variant type: single nucleotide variant.
Coding change: c.465C>T on transcript NM_000268.4 (MANE Select); coding-DNA position 465, C replaced by T.
Protein change: p.Pro155=; no amino-acid change (proline 155 retained).
Molecular consequence: synonymous variant. On other transcripts: non-coding transcript variant (1), intron variant (1).
Genome position (GRCh38, 1-based): chr22:29,654,674, C>T. VCF-style: chr22-29654674-C-T. GRCh37 (hg19) VCF-style: chr22-30050663-C-T.
Other names: p.Pro155=; c.465C>T, p.Pro155= (NM_016418.5, NM_181825.3, NM_181832.3); c.339C>T, p.Pro113= (NM_181828.3); c.342C>T, p.Pro114= (NM_181829.3); c.216C>T, p.Pro72= (NM_181830.3, NM_181831.3); c.447+12389C>T (NM_181833.3).
Identifiers: ClinVar variation 262995 (VCV000262995.57), dbSNP rs374911526, ClinGen allele CA033567.

ClinVar aggregate classification (germline): Benign/Likely benign. Review status: criteria provided, multiple submitters, no conflicts (2 of 4 stars). 12 submissions from 12 submitters: Benign (2); Likely benign (10). Last evaluated 2026-04-01.

Conditions:
Hereditary cancer-predisposing syndrome. Also called: Tumor predisposition; Hereditary Cancer Syndrome; Neoplastic Syndromes, Hereditary; Hereditary neoplastic syndrome. Identifiers: Orphanet 140162, MedGen C0027672, MeSH D009386, MONDO:0015356.
Neurofibromatosis, type 2 (SWNV). Also called: SCHWANNOMATOSIS, VESTIBULAR; BILATERAL ACOUSTIC NEUROFIBROMATOSIS; NF2-Related Schwannomatosis. Identifiers: Orphanet 637, MedGen C0027832, MONDO:0007039, OMIM 101000. Disease mechanism: loss of function.

Allele frequency attached by ClinVar (database versions not stated): ExAC 0.00007; ESP Exome Variant Server 0.00008; gnomAD exomes 0.00009 and 0.00016; gnomAD 0.00011 and 0.00012; TOPMed 0.00014.
gnomAD v4.1: 243 of 1,613,776 alleles (0.015%); highest among the groups gnomAD compares: Non-Finnish European, 0.02%; no homozygotes.

Submissions (12):

CeGaT Center for Human Genetics Tuebingen
Classification: Likely benign. Last evaluated: 2026-04-01. Review status: criteria provided, single submitter. Criteria: CeGaT Center For Human Genetics Tuebingen Variant Classification Criteria Version 2. Collection method: clinical testing. Allele origin: germline. Affected: yes. Observed: 3 variant alleles.
Comment: NF2: BP4, BP7

Labcorp Genetics (formerly Invitae), Labcorp
Classification: Benign for Neurofibromatosis, type 2. Last evaluated: 2026-01-27. Review status: criteria provided, single submitter. Criteria: Invitae Variant Classification Sherloc (09022015). Collection method: clinical testing. Allele origin: germline.

Mayo Clinic Laboratories, Mayo Clinic
Classification: Likely benign. Last evaluated: 2025-06-20. Review status: criteria provided, single submitter. Criteria: ACMG Guidelines, 2015. Collection method: clinical testing. Allele origin: germline. Observed: 2 variant alleles.
Comment: BS2, BP4, BP7

Blueprint Genetics
Classification: Likely benign. Last evaluated: 2024-10-30. Review status: criteria provided, single submitter. Criteria: ACMG Guidelines, 2015. Collection method: clinical testing. Allele origin: germline.

All of Us Research Program, National Institutes of Health
Classification: Likely benign for Neurofibromatosis, type 2. Last evaluated: 2024-01-11. Review status: criteria provided, single submitter. Criteria: ACMG Guidelines, 2015. Collection method: clinical testing. Allele origin: germline. Inheritance: Autosomal dominant inheritance. Observed: 32 variant alleles, 32 heterozygotes.
Comment: This study involves interpretation of variants in research participants for the purpose of population health screening. Participant phenotype was not available at the time of variant classification. Additional details can be found in publication PMID: 35346344, PMCID: PMC8962531

Color Diagnostics, LLC DBA Color Health
Classification: Likely benign for Neurofibromatosis, type 2. Last evaluated: 2022-11-06. Review status: criteria provided, single submitter. Criteria: ACMG Guidelines, 2015. Collection method: clinical testing. Allele origin: germline.

Genome-Nilou Lab
Classification: Benign for Neurofibromatosis, type 2. Last evaluated: 2021-11-07. Review status: criteria provided, single submitter. Criteria: ACMG Guidelines, 2015. Collection method: clinical testing. Allele origin: germline. Affected: no.

Sema4
Classification: Likely benign for Hereditary cancer-predisposing syndrome. Last evaluated: 2021-07-29. Review status: criteria provided, single submitter. Criteria: Sema4 Curation Guidelines. Collection method: curation. Allele origin: germline.

Genetic Services Laboratory, University of Chicago
Classification: Likely benign. Last evaluated: 2020-12-14. Review status: criteria provided, single submitter. Criteria: ACMG Guidelines, 2015. Collection method: clinical testing. Allele origin: germline. Affected: no.

Ambry Genetics
Classification: Likely benign for Hereditary cancer-predisposing syndrome. Last evaluated: 2018-03-22. Review status: criteria provided, single submitter. Criteria: Ambry Variant Classification Scheme 2023. Collection method: clinical testing. Allele origin: germline.

GeneDx
Classification: Likely benign. Last evaluated: 2017-02-20. Review status: criteria provided, single submitter. Criteria: GeneDx Variant Classification (06012015). Collection method: clinical testing. Allele origin: germline. Affected: yes.
Comment: This variant is considered likely benign or benign based on one or more of the following criteria: it is a conservative change, it occurs at a poorly conserved position in the protein, it is predicted to be benign by multiple in silico algorithms, and/or has population frequency not consistent with disease.

PreventionGenetics, part of Exact Sciences
Classification: Likely benign. Review status: criteria provided, single submitter. Criteria: ACMG Guidelines, 2015. Collection method: clinical testing. Allele origin: germline.